The following is an entry in ClinVar:

ClinVar aggregate classification (germline): Uncertain significance (1 of 4 stars; one submission).

Conditions:
Early-infantile DEE. Also called: Ohtahara syndrome; Early infantile epileptic encephalopathy with suppression bursts; Early infantile epileptic encephalopathy. Identifiers: Orphanet 1934, MedGen C0393706, MONDO:0800491.

Allele frequency attached by ClinVar (database versions not stated): gnomAD 0.00003.
gnomAD v4.1: 29 of 1,613,286 alleles (0.0018%); highest among the groups gnomAD compares: East Asian, 0.0022%; no homozygotes.

Submission:

Labcorp Genetics (formerly Invitae), Labcorp
Classification: Uncertain significance for Early-infantile DEE. Last evaluated: 2021-09-01. Review status: criteria provided, single submitter. Criteria: Invitae Variant Classification Sherloc (09022015). Collection method: clinical testing. Allele origin: germline.
Comment: In summary, the available evidence is currently insufficient to determine the role of this variant in disease. Therefore, it has been classified as a Variant of Uncertain Significance. Algorithms developed to predict the effect of missense changes on protein structure and function are either unavailable or do not agree on the potential impact of this missense change (SIFT: "Deleterious"; PolyPhen-2: "Benign"; Align-GVGD: "Class C0"). This variant has not been reported in the literature in individuals affected with ARHGEF15-related conditions. This variant is present in population databases (rs746554509, ExAC 0.002%). This sequence change replaces glutamic acid with lysine at codon 596 of the ARHGEF15 protein (p.Glu596Lys). The glutamic acid residue is highly conserved and there is a small physicochemical difference between glutamic acid and lysine.

NM_173728.4(ARHGEF15):c.1786G>A (p.Glu596Lys)

Gene: ARHGEF15 (Rho guanine nucleotide exchange factor 15; plus strand). Cytogenetic location: 17p13.1.
Variant type: single nucleotide variant.
Coding change: c.1786G>A on transcript NM_173728.4 (MANE Select); coding-DNA position 1786, G replaced by A.
Protein change: p.Glu596Lys; replaces glutamic acid 596 with lysine.
Molecular consequence: missense variant.
Genome position (GRCh38, 1-based): chr17:8,318,576, G>A. VCF-style: chr17-8318576-G-A. GRCh37 (hg19) VCF-style: chr17-8221894-G-A.
Other names: c.1786G>A, p.Glu596Lys (NM_025014.2); short protein forms E596K.
Identifiers: ClinVar variation 1480004 (VCV001480004.7), dbSNP rs746554509, ClinGen allele CA8375310.